The following is an entry in ClinVar:

NM_005051.3(QARS1):c.47G>C (p.Ser16Thr)

Genes: QARS1 (glutaminyl-tRNA synthetase 1; minus strand), LOC129936736 (ATAC-STARR-seq lymphoblastoid active region 19853; plus strand). Cytogenetic location: 3p21.31.
Variant type: single nucleotide variant.
Coding change: c.47G>C on transcript NM_005051.3 (MANE Select); coding-DNA position 47, G replaced by C.
Protein change: p.Ser16Thr; replaces serine 16 with threonine.
Molecular consequence: missense variant. On other transcripts: non-coding transcript variant (1).
Genome position (GRCh38, 1-based): chr3:49,104,687, C>G on the plus strand (G>C on the coding strand, the complement: QARS1 is on the minus strand). VCF-style: chr3-49104687-C-G. GRCh37 (hg19) VCF-style: chr3-49142120-C-G.
Other names: c.47G>C, p.Ser16Thr (NM_001272073.2); short protein forms S16T.
Identifiers: ClinVar variation 1710570 (VCV001710570.2), dbSNP rs2042517409, ClinGen allele CA352724065.

ClinVar aggregate classification (germline): Uncertain significance (1 of 4 stars; one submission).

Allele frequency attached by ClinVar (database versions not stated): TOPMed below 0.00001; gnomAD 0.00001.
gnomAD v4.1: 1 of 1,611,492 alleles (0.000062%); highest among the groups gnomAD compares: Non-Finnish European, 0.000085%; no homozygotes.

Submission:

GeneDx
Classification: Uncertain significance. Last evaluated: 2022-04-14. Review status: criteria provided, single submitter. Criteria: GeneDx Variant Classification Process June 2021. Collection method: clinical testing. Allele origin: germline. Affected: yes.
Comment: Not observed at significant frequency in large population cohorts (gnomAD); In silico analysis supports that this missense variant does not alter protein structure/function; Has not been previously published as pathogenic or benign to our knowledge